The following is an entry in ClinVar:

NM_153704.6(TMEM67):c.223+9G>A

Gene: TMEM67 (transmembrane protein 67; plus strand). Cytogenetic location: 8q22.1.
Variant type: single nucleotide variant.
Coding change: c.223+9G>A on transcript NM_153704.6 (MANE Select); 9 bases into the intron after coding-DNA position 223, G replaced by A.
Molecular consequence: intron variant.
Genome position (GRCh38, 1-based): chr8:93,755,146, G>A. VCF-style: chr8-93755146-G-A. GRCh37 (hg19) VCF-style: chr8-94767374-G-A.
Other names: c.-62+9G>A (NM_001142301.1); c.223+9G>A (NM_153704.5).
Identifiers: ClinVar variation 1460343 (VCV001460343.9), dbSNP rs1264088122, ClinGen allele CA583844252.
Genomic context (GRCh38, chr8:93,755,146, plus strand): 5'-TCCGCCCTCTCGTGTGTTCCTTGTGGAGCTAACCAGAGGCAAGATGCCCGAGGTAAGACG[G>A]TTTGCGGTGGGCCCTGGCAAAAGTAACACTCCCGCCTTGGTCGGCCCCTAGTCCCCGTAA-3'

ClinVar aggregate classification (germline): Likely benign. Review status: criteria provided, multiple submitters, no conflicts (2 of 4 stars). 2 submissions from 2 submitters: Likely benign (2). Last evaluated 2025-07-22.

Conditions:
TMEM67-related disorder. Also called: TMEM67-related condition; TMEM67-related disorders. Identifiers: MedGen CN239423.
Joubert syndrome. Also called: Familial aplasia of the vermis; JOUBERT-BOLTSHAUSER SYNDROME. Identifiers: Orphanet 475, MedGen C5979921, MONDO:0018772.
Meckel-Gruber syndrome. Also called: Dysencephalia splachnocystica; DYSENCEPHALIA SPLANCHNOCYSTICA; GRUBER SYNDROME. Identifiers: Orphanet 564, MedGen C0265215, MONDO:0018921.

Allele frequency attached by ClinVar (database versions not stated): gnomAD exomes below 0.00001; gnomAD 0.00001; TOPMed 0.00002.
gnomAD v4.1: 5 of 1,613,324 alleles (0.00031%); highest among the groups gnomAD compares: Non-Finnish European, 0.00042%; no homozygotes.

Submissions (2):

PreventionGenetics, part of Exact Sciences
Classification: Likely benign for TMEM67-related condition. Last evaluated: 2025-07-22. Review status: criteria provided, single submitter. Criteria: ACMG Guidelines, 2015. Collection method: clinical testing. Allele origin: germline.
Comment: This variant is classified as likely benign based on ACMG/AMP sequence variant interpretation guidelines (Richards et al. 2015 PMID: 25741868, with internal and published modifications).

Labcorp Genetics (formerly Invitae), Labcorp
Classification: Likely benign for Joubert syndrome; Meckel-Gruber syndrome. Last evaluated: 2023-10-10. Review status: criteria provided, single submitter. Criteria: Invitae Variant Classification Sherloc (09022015). Collection method: clinical testing. Allele origin: germline.